The following is an entry in ClinVar:

NM_020207.7(ERCC6L2):c.2329G>A (p.Asp777Asn)

Gene: ERCC6L2 (ERCC excision repair 6 like 2; plus strand). Cytogenetic location: 9q22.32.
Variant type: single nucleotide variant.
Coding change: c.2329G>A on transcript NM_020207.7 (MANE Select); coding-DNA position 2329, G replaced by A.
Protein change: p.Asp777Asn; replaces aspartic acid 777 with asparagine.
Molecular consequence: missense variant. On other transcripts: non-coding transcript variant (1).
Genome position (GRCh38, 1-based): chr9:95,972,080, G>A. VCF-style: chr9-95972080-G-A. GRCh37 (hg19) VCF-style: chr9-98734362-G-A.
Other names: c.2329G>A, p.Asp777Asn (NM_001375291.1, NM_001375292.1, NM_001375293.1 and 1 more transcripts); short protein forms D777N.
Identifiers: ClinVar variation 1353717 (VCV001353717.3), dbSNP rs781006315, ClinGen allele CA5139816.
Genomic context (GRCh38, chr9:95,972,080, plus strand): 5'-TTCAGTGATGAAGAGCCAGTGGGAGCCACAGGAATAAAGACTGCCAAAAACAAAGCACCC[G>A]ATTCAAGTAAAGCTTCCAGCTCTCCAGGACAGCTTACCTTACTCCAGTGTGGTTTCTCGA-3'
Protein context (NP_064592.3, residues 767-787): GIKTAKNKAP[Asp777Asn]SSKASSSPGQ

ClinVar aggregate classification (germline): Uncertain significance (1 of 4 stars; one submission).

Allele frequency attached by ClinVar (database versions not stated): gnomAD 0.00001; TOPMed 0.00001; gnomAD exomes 0.00002 and 0.00003; ExAC 0.00006.
gnomAD v4.1: 21 of 1,304,128 alleles (0.0016%); highest among the groups gnomAD compares: South Asian, 0.011%; no homozygotes.

Submission:

Labcorp Genetics (formerly Invitae), Labcorp
Classification: Uncertain significance. Last evaluated: 2021-09-26. Review status: criteria provided, single submitter. Criteria: Invitae Variant Classification Sherloc (09022015). Collection method: clinical testing. Allele origin: germline.
Comment: This sequence change replaces aspartic acid with asparagine at codon 788 of the ERCC6L2 protein (p.Asp788Asn). The aspartic acid residue is weakly conserved and there is a small physicochemical difference between aspartic acid and asparagine. This variant is present in population databases (rs781006315, ExAC 0.01%). This variant has not been reported in the literature in individuals affected with ERCC6L2-related conditions. Algorithms developed to predict the effect of missense changes on protein structure and function are either unavailable or do not agree on the potential impact of this missense change (SIFT: "Tolerated"; PolyPhen-2: "Not Available"; Align-GVGD: "Class C0"). In summary, the available evidence is currently insufficient to determine the role of this variant in disease. Therefore, it has been classified as a Variant of Uncertain Significance.